The following is an entry in ClinVar:

ClinVar aggregate classification (germline): Pathogenic (1 of 4 stars; one submission).

Conditions:
Branchiootorenal syndrome 1. Also called: Branchio-Oto-Renal Syndrome 1. Identifiers: Orphanet 107, MedGen C4551702, MONDO:0007236, OMIM 113650.

Submission:

Institute of Rare Diseases, West China Hospital, Sichuan University
Classification: Pathogenic for Branchiootorenal syndrome 1. Last evaluated: 2025-01-09. Review status: criteria provided, single submitter. Criteria: ClinGen HL ACMG Specifications v1. Collection method: research. Allele origin: germline. Affected: yes.
Comment: PVS1;PP1;PM2_Supporting

NM_000503.6(EYA1):c.1335C>A (p.Tyr445Ter)

Gene: EYA1 (EYA transcriptional coactivator and phosphatase 1; minus strand). Cytogenetic location: 8q13.3.
Variant type: single nucleotide variant.
Coding change: c.1335C>A on transcript NM_000503.6 (MANE Select); coding-DNA position 1335, C replaced by A.
Protein change: p.Tyr445Ter; replaces tyrosine 445 with a stop codon.
Molecular consequence: nonsense.
Genome position (GRCh38, 1-based): chr8:71,216,717, G>T on the plus strand (C>A on the coding strand, the complement: EYA1 is on the minus strand). VCF-style: chr8-71216717-G-T. GRCh37 (hg19) VCF-style: chr8-72128952-G-T.
Other names: c.1317C>A, p.Tyr439Ter (NM_001288574.2, NM_172059.5); c.969C>A, p.Tyr323Ter (NM_001288575.2); c.1422C>A, p.Tyr474Ter (NM_001370333.1); c.1335C>A, p.Tyr445Ter (NM_001370334.1, NM_001370335.1, NM_172058.4); c.1314C>A, p.Tyr438Ter (NM_001370336.1); c.1236C>A, p.Tyr412Ter (NM_001411797.1, NM_172060.4); short protein forms Y323*, Y412*, Y438*, Y439*, Y445*, Y474*.
Identifiers: ClinVar variation 3601096 (VCV003601096.1).